The following is an entry in ClinVar:

NM_000093.5(COL5A1):c.3852+9C>T

Gene: COL5A1 (collagen type V alpha 1 chain; plus strand). Cytogenetic location: 9q34.3.
Variant type: single nucleotide variant.
Coding change: c.3852+9C>T on transcript NM_000093.5 (MANE Select); 9 bases into the intron after coding-DNA position 3852, C replaced by T.
Molecular consequence: intron variant.
Genome position (GRCh38, 1-based): chr9:134,812,721, C>T. VCF-style: chr9-134812721-C-T. GRCh37 (hg19) VCF-style: chr9-137704567-C-T.
Other names: c.3852+9C>T (NM_001278074.1).
Identifiers: ClinVar variation 529296 (VCV000529296.11), dbSNP rs548696863, ClinGen allele CA5320036.
Genomic context (GRCh38, chr9:134,812,721, plus strand): 5'-CCCACAAGGTCCCCCAGGTGGAATAGGAAACCCTGGTGCAGTGGGAGAGAAGGTGAGGCT[C>T]GTGCCTGCTCTGGTGGCAGATTTGCGGTTGTTTGAGGAGTGTGTGTGTGTGTCTGTGTGT-3'

ClinVar aggregate classification (germline): Likely benign. Review status: criteria provided, multiple submitters, no conflicts (2 of 4 stars). 3 submissions from 3 submitters: Likely benign (3). Last evaluated 2025-12-13.

Conditions:
Ehlers-Danlos syndrome, classic type, 1 (EDSCL1). Also called: Ehlers-Danlos Syndrome, Classic Type, COL5A1-Related; EDS I; Ehlers-Danlos syndrome, type 1; EHLERS-DANLOS SYNDROME, GRAVIS TYPE; EHLERS-DANLOS SYNDROME, SEVERE CLASSIC TYPE. Identifiers: MedGen C0268335, MONDO:0019567, OMIM 130000.
Connective tissue disorder. Also called: Connective tissue disease. Identifiers: MedGen C0009782, MONDO:0003900.
COL5A1-related disorder. Also called: COL5A1-related condition.

Allele frequency attached by ClinVar (database versions not stated): gnomAD exomes 0.00001 and 0.00002; ExAC 0.00004; gnomAD 0.00005 and 0.00008; TOPMed 0.00007; 1000 Genomes Project 0.00020; 1000 Genomes Project 30x 0.00031.
gnomAD v4.1: 19 of 1,540,112 alleles (0.0012%); highest among the groups gnomAD compares: African/African-American, 0.018%; 1 homozygote.

Submissions (3):

Labcorp Genetics (formerly Invitae), Labcorp
Classification: Likely benign for Ehlers-Danlos syndrome, classic type, 1. Last evaluated: 2025-12-13. Review status: criteria provided, single submitter. Criteria: Invitae Variant Classification Sherloc (09022015). Collection method: clinical testing. Allele origin: germline.

PreventionGenetics, part of Exact Sciences
Classification: Likely benign for COL5A1-related condition. Last evaluated: 2025-05-16. Review status: criteria provided, single submitter. Criteria: ACMG Guidelines, 2015. Collection method: clinical testing. Allele origin: germline.
Comment: This variant is classified as likely benign based on ACMG/AMP sequence variant interpretation guidelines (Richards et al. 2015 PMID: 25741868, with internal and published modifications).

Center for Human Genetics, Inc
Classification: Likely benign for Connective tissue disorder. Last evaluated: 2018-06-01. Review status: criteria provided, single submitter. Criteria: ACMG Guidelines, 2015. Collection method: clinical testing. Allele origin: germline. Affected: yes.